The following is an entry in ClinVar:

NM_052813.5(CARD9):c.574C>G (p.Gln192Glu)

Gene: CARD9 (caspase recruitment domain family member 9; minus strand). Cytogenetic location: 9q34.3.
Variant type: single nucleotide variant.
Coding change: c.574C>G on transcript NM_052813.5 (MANE Select); coding-DNA position 574, C replaced by G.
Protein change: p.Gln192Glu; replaces glutamine 192 with glutamic acid.
Molecular consequence: missense variant.
Genome position (GRCh38, 1-based): chr9:136,370,894, G>C on the plus strand (C>G on the coding strand, the complement: CARD9 is on the minus strand). VCF-style: chr9-136370894-G-C. GRCh37 (hg19) VCF-style: chr9-139265346-G-C.
Other names: c.574C>G, p.Gln192Glu (NM_052814.4); short protein forms Q192E.
Identifiers: ClinVar variation 1715513 (VCV001715513.6), dbSNP rs948124005, ClinGen allele CA201614602.
Genomic context (GRCh38, chr9:136,370,894, plus strand): 5'-GGCGCACCTCCAGCTGCAGGTCACGGTTCCGCATGAGCGCGGCGCCCTTCTCCTCACTCT[G>C]GTGCGCCAGGCGCATGGCCAGGTCGTAGTTCTCCTCCTTGCAGCGCTTGAGCTCGCGGCT-3'
Protein context (NP_434700.2, residues 182-202): NYDLAMRLAH[Gln192Glu]SEEKGAALMR

ClinVar aggregate classification (germline): Uncertain significance (1 of 4 stars; one submission).

Conditions:
Predisposition to invasive fungal disease due to CARD9 deficiency (IMD103). Also called: CARD9 IMMUNODEFICIENCY; IMMUNODEFICIENCY 103, SUSCEPTIBILITY TO FUNGAL INFECTIONS; Candidiasis, familial, 2, autosomal recessive. Identifiers: Orphanet 457088, MedGen C1859353, MONDO:0008905, OMIM 212050.

Allele frequency attached by ClinVar (database versions not stated): gnomAD 0.00001; TOPMed 0.00001.
gnomAD v4.1: 1 of 1,608,932 alleles (0.000062%); highest among the groups gnomAD compares: African/African-American, 0.0013%; no homozygotes.

Submission:

Labcorp Genetics (formerly Invitae), Labcorp
Classification: Uncertain significance for Predisposition to invasive fungal disease due to CARD9 deficiency. Last evaluated: 2022-08-07. Review status: criteria provided, single submitter. Criteria: Invitae Variant Classification Sherloc (09022015). Collection method: clinical testing. Allele origin: germline.
Comment: In summary, the available evidence is currently insufficient to determine the role of this variant in disease. Therefore, it has been classified as a Variant of Uncertain Significance. Algorithms developed to predict the effect of missense changes on protein structure and function (SIFT, PolyPhen-2, Align-GVGD) all suggest that this variant is likely to be tolerated. This variant has not been reported in the literature in individuals affected with CARD9-related conditions. This variant is not present in population databases (gnomAD no frequency). This sequence change replaces glutamine, which is neutral and polar, with glutamic acid, which is acidic and polar, at codon 192 of the CARD9 protein (p.Gln192Glu).